The following is an entry in ClinVar:

NM_000660.7(TGFB1):c.860+5G>A

Gene: TGFB1 (transforming growth factor beta 1; minus strand). Cytogenetic location: 19q13.2.
Variant type: single nucleotide variant.
Coding change: c.860+5G>A on transcript NM_000660.7 (MANE Select); 5 bases into the intron after coding-DNA position 860, G replaced by A.
Molecular consequence: intron variant.
Genome position (GRCh38, 1-based): chr19:41,341,878, C>T on the plus strand (G>A on the coding strand, the complement: TGFB1 is on the minus strand). VCF-style: chr19-41341878-C-T. GRCh37 (hg19) VCF-style: chr19-41847783-C-T.
Identifiers: ClinVar variation 2175200 (VCV002175200.4), dbSNP rs371563202, ClinGen allele CA9459978.

ClinVar aggregate classification (germline): Uncertain significance (1 of 4 stars; one submission).

Allele frequency attached by ClinVar (database versions not stated): gnomAD exomes 0.00001; ExAC 0.00002; gnomAD 0.00003; ESP Exome Variant Server 0.00015; 1000 Genomes Project 0.00020; 1000 Genomes Project 30x 0.00031.

Submission:

Labcorp Genetics (formerly Invitae), Labcorp
Classification: Uncertain significance. Last evaluated: 2026-01-24. Review status: criteria provided, single submitter. Criteria: Invitae Variant Classification Sherloc (09022015). Collection method: clinical testing. Allele origin: germline.
Comment: This sequence change falls in intron 5 of the TGFB1 gene. It does not directly change the encoded amino acid sequence of the TGFB1 protein. It affects a nucleotide within the consensus splice site. This variant is present in population databases (rs371563202, gnomAD 0.01%). This variant has not been reported in the literature in individuals affected with TGFB1-related conditions. ClinVar contains an entry for this variant (Variation ID: 2175200). Variants that disrupt the consensus splice site are a relatively common cause of aberrant splicing (PMID: 17576681, 9536098). Algorithms developed to predict the effect of sequence changes on RNA splicing suggest that this variant is not likely to affect RNA splicing. In summary, the available evidence is currently insufficient to determine the role of this variant in disease. Therefore, it has been classified as a Variant of Uncertain Significance.

Literature cited by the submitters: PubMed 17576681; PubMed 9536098.